The following is an entry in ClinVar:

NM_018942.3(HMX1):c.824G>A (p.Gly275Glu)

Gene: HMX1 (H6 family homeobox 1; minus strand). Cytogenetic location: 4p16.1.
Variant type: single nucleotide variant.
Coding change: c.824G>A on transcript NM_018942.3 (MANE Select); coding-DNA position 824, G replaced by A.
Protein change: p.Gly275Glu; replaces glycine 275 with glutamic acid.
Molecular consequence: missense variant. On other transcripts: intron variant (1).
Genome position (GRCh38, 1-based): chr4:8,867,916, C>T on the plus strand (G>A on the coding strand, the complement: HMX1 is on the minus strand). VCF-style: chr4-8867916-C-T. GRCh37 (hg19) VCF-style: chr4-8869642-C-T.
Other names: c.394+3305G>A (NM_001306142.2); short protein forms G275E.
Identifiers: ClinVar variation 846471 (VCV000846471.14), dbSNP rs577238615, ClinGen allele CA2854258.
Genomic context (GRCh38, chr4:8,867,916, plus strand): 5'-GCGGCTGCGGCCGGGGGGCTTTCGTGGTAGAGCACCGGCACGCGGACCAGGCGCTGCGCT[C>T]CCGGCGGGGACAGGCTGGCCGCCTCCAGCTCGGCTGCCAGCTGCCGCTTCCACTTGTTGC-3'
Protein context (NP_061815.2, residues 265-285): ELEAASLSPP[Gly275Glu]AQRLVRVPVL

ClinVar aggregate classification (germline): Conflicting classifications of pathogenicity. Review status: criteria provided, conflicting classifications (1 of 4 stars). 7 submissions from 7 submitters: Uncertain significance (3); Likely benign (1). 3 of the submissions do not count toward it. Last evaluated 2025-12-19.

Conditions:
Retinal dystrophy. Also called: Inherited retinal dystrophy. Identifiers: Orphanet 71862, MedGen C0854723, MeSH D058499, MONDO:0019118, HP:0000556.
Inborn genetic diseases. Identifiers: MedGen C0950123, MeSH D030342.

Allele frequency attached by ClinVar (database versions not stated): 1000 Genomes Project 30x 0.00016; 1000 Genomes Project 0.00020; TOPMed 0.00022; gnomAD 0.00026; gnomAD exomes 0.00035 and 0.00057; ExAC 0.00064.

Submissions (7):

Labcorp Genetics (formerly Invitae), Labcorp
Classification: Uncertain significance. Last evaluated: 2025-12-19. Review status: criteria provided, single submitter. Criteria: Invitae Variant Classification Sherloc (09022015). Collection method: clinical testing. Allele origin: germline.
Comment: This sequence change replaces glycine, which is neutral and non-polar, with glutamic acid, which is acidic and polar, at codon 275 of the HMX1 protein (p.Gly275Glu). This variant is present in population databases (rs577238615, gnomAD 0.08%). This variant has not been reported in the literature in individuals affected with HMX1-related conditions. ClinVar contains an entry for this variant (Variation ID: 846471). Invitae Evidence Modeling of protein sequence and biophysical properties (such as structural, functional, and spatial information, amino acid conservation, physicochemical variation, residue mobility, and thermodynamic stability) indicates that this missense variant is not expected to disrupt HMX1 protein function with a negative predictive value of 80%. In summary, the available evidence is currently insufficient to determine the role of this variant in disease. Therefore, it has been classified as a Variant of Uncertain Significance.

Blueprint Genetics
Classification: Likely benign. Last evaluated: 2024-10-16. Review status: criteria provided, single submitter. Criteria: ACMG Guidelines, 2015. Collection method: clinical testing. Allele origin: germline.

Ambry Genetics
Classification: Uncertain significance for Inborn genetic diseases. Last evaluated: 2021-06-22. Review status: criteria provided, single submitter. Criteria: Ambry Variant Classification Scheme 2023. Collection method: clinical testing. Allele origin: germline.

Breakthrough Genomics
Classification: Uncertain significance. Review status: criteria provided, single submitter. Criteria: ACMG Guidelines, 2015. Collection method: not provided. Allele origin: germline. Inheritance: Autosomal recessive inheritance. Affected: yes.

Institute of Human Genetics, Univ. Regensburg, Univ. Regensburg
Classification: Uncertain significance for Retinal dystrophy. Last evaluated: 2022-01-01. Review status: no assertion criteria provided. Criteria: ACMG Guidelines, 2015. Collection method: clinical testing. Allele origin: germline. Affected: yes. Not counted in ClinVar's aggregate classification.

Clinical Genetics DNA and cytogenetics Diagnostics Lab, Erasmus MC, Erasmus Medical Center
Classification: Uncertain significance. Review status: no assertion criteria provided. Collection method: clinical testing. Allele origin: germline. Affected: yes. Study: VKGL Data-share Consensus. Not counted in ClinVar's aggregate classification.

Clinical Genetics, Academic Medical Center
Classification: Uncertain significance. Review status: no assertion criteria provided. Collection method: clinical testing. Allele origin: germline. Affected: yes. Study: VKGL Data-share Consensus. Not counted in ClinVar's aggregate classification.